The following is an entry in ClinVar:

ClinVar aggregate classification (germline): Uncertain significance. Review status: criteria provided, multiple submitters, no conflicts (2 of 4 stars). 2 submissions from 2 submitters: Uncertain significance (2). Last evaluated 2025-12-17.

Conditions:
Chédiak-Higashi syndrome (CHS). Also called: Chediak-Higashi Syndrome. Identifiers: Orphanet 167, MedGen C0007965, MONDO:0008963, OMIM 214500.

Allele frequency attached by ClinVar (database versions not stated): gnomAD exomes below 0.00001.
gnomAD v4.1: 6 of 1,613,990 alleles (0.00037%); highest among the groups gnomAD compares: Non-Finnish European, 0.00051%; no homozygotes.

Submissions (2):

Mayo Clinic Laboratories, Mayo Clinic
Classification: Uncertain significance. Last evaluated: 2025-12-17. Review status: criteria provided, single submitter. Criteria: ACMG Guidelines, 2015. Collection method: clinical testing. Allele origin: germline. Observed: 1 variant allele.
Comment: PM2_supporting

Labcorp Genetics (formerly Invitae), Labcorp
Classification: Uncertain significance for Chédiak-Higashi syndrome. Last evaluated: 2025-08-18. Review status: criteria provided, single submitter. Criteria: Invitae Variant Classification Sherloc (09022015). Collection method: clinical testing. Allele origin: germline.
Comment: This sequence change replaces methionine, which is neutral and non-polar, with valine, which is neutral and non-polar, at codon 326 of the LYST protein (p.Met326Val). This variant is not present in population databases (gnomAD no frequency). This variant has not been reported in the literature in individuals affected with LYST-related conditions. ClinVar contains an entry for this variant (Variation ID: 1450406). Invitae Evidence Modeling of protein sequence and biophysical properties (such as structural, functional, and spatial information, amino acid conservation, physicochemical variation, residue mobility, and thermodynamic stability) indicates that this missense variant is not expected to disrupt LYST protein function with a negative predictive value of 80%. In summary, the available evidence is currently insufficient to determine the role of this variant in disease. Therefore, it has been classified as a Variant of Uncertain Significance.

NM_000081.4(LYST):c.976A>G (p.Met326Val)

Gene: LYST (lysosomal trafficking regulator; minus strand). Cytogenetic location: 1q42.3.
Variant type: single nucleotide variant.
Coding change: c.976A>G on transcript NM_000081.4 (MANE Select); coding-DNA position 976, A replaced by G.
Protein change: p.Met326Val; replaces methionine 326 with valine.
Molecular consequence: missense variant.
Genome position (GRCh38, 1-based): chr1:235,809,842, T>C on the plus strand (A>G on the coding strand, the complement: LYST is on the minus strand). VCF-style: chr1-235809842-T-C. GRCh37 (hg19) VCF-style: chr1-235973142-T-C.
Other names: p.Met326Val; c.976A>G, p.Met326Val (NM_001301365.1); short protein forms M326V.
Identifiers: ClinVar variation 1450406 (VCV001450406.7), dbSNP rs2102887404, ClinGen allele CA344963584.